The following is an entry in ClinVar:

NM_000235.4(LIPA):c.1056C>T (p.Asp352=)

Gene: LIPA (lipase A, lysosomal acid type; minus strand). Cytogenetic location: 10q23.31.
Variant type: single nucleotide variant.
Coding change: c.1056C>T on transcript NM_000235.4 (MANE Select); coding-DNA position 1056, C replaced by T.
Protein change: p.Asp352=; no amino-acid change (aspartic acid 352 retained).
Molecular consequence: synonymous variant.
Genome position (GRCh38, 1-based): chr10:89,214,972, G>A on the plus strand (C>T on the coding strand, the complement: LIPA is on the minus strand). VCF-style: chr10-89214972-G-A. GRCh37 (hg19) VCF-style: chr10-90974729-G-A.
Other names: c.1056C>T, p.Asp352= (NM_001127605.3); c.708C>T, p.Asp236= (NM_001288979.2); c.1056C>T (NM_000235.3).
Identifiers: ClinVar variation 598726 (VCV000598726.19), dbSNP rs1564748504, ClinGen allele CA470975424.

ClinVar aggregate classification (germline): Conflicting classifications of pathogenicity. Review status: criteria provided, conflicting classifications (1 of 4 stars). 5 submissions from 5 submitters: Uncertain significance (1); Likely benign (3). 1 of the submissions does not count toward it. Last evaluated 2025-05-12.

Conditions:
LIPA-related disorder. Also called: LIPA-related condition; LIPA-related disorders.
Cardiovascular phenotype. Identifiers: MedGen CN230736.
Wolman disease (WOLD). Also called: Acid cholesteryl ester hydrolase deficiency, Wolman type; Acid lipase disease; Infantile-Onset LAL-D (Wolman Disease); LYSOSOMAL ACID LIPASE DEFICIENCY, ACUTE INFANTILE; LYSOSOMAL ACID LIPASE DEFICIENCY, COMPLETE; LIPA DEFICIENCY, COMPLETE. Identifiers: Orphanet 75233, MedGen C0043208, MONDO:0019148, OMIM 620151.

Allele frequency attached by ClinVar (database versions not stated): gnomAD exomes below 0.00001; gnomAD 0.00001; TOPMed 0.00001.
gnomAD v4.1: 5 of 1,613,846 alleles (0.00031%); highest among the groups gnomAD compares: East Asian, 0.0045%; no homozygotes.

Submissions (5):

Labcorp Genetics (formerly Invitae), Labcorp
Classification: Likely benign for Wolman disease. Last evaluated: 2025-05-12. Review status: criteria provided, single submitter. Criteria: Invitae Variant Classification Sherloc (09022015). Collection method: clinical testing. Allele origin: germline.

Blueprint Genetics
Classification: Likely benign. Last evaluated: 2021-11-02. Review status: criteria provided, single submitter. Criteria: ACMG Guidelines, 2015. Collection method: clinical testing. Allele origin: germline.

Ambry Genetics
Classification: Likely benign for Cardiovascular phenotype. Last evaluated: 2021-05-27. Review status: criteria provided, single submitter. Criteria: Ambry Variant Classification Scheme 2023. Collection method: clinical testing. Allele origin: germline.

Eurofins Ntd Llc (ga)
Classification: Uncertain significance. Last evaluated: 2018-09-18. Review status: criteria provided, single submitter. Criteria: EGL ClinVar v180209 classification definitions. Collection method: clinical testing. Allele origin: germline. Observed: 1 variant allele, 1 heterozygote.

PreventionGenetics, part of Exact Sciences
Classification: Likely benign for LIPA-related condition. Last evaluated: 2021-11-10. Review status: no assertion criteria provided. Collection method: clinical testing. Allele origin: germline. Not counted in ClinVar's aggregate classification.
Comment: This variant is classified as likely benign based on ACMG/AMP sequence variant interpretation guidelines (Richards et al. 2015 PMID: 25741868, with internal and published modifications).